The following is an entry in ClinVar:

NM_000135.4(FANCA):c.3121A>T (p.Thr1041Ser)

Gene: FANCA (FA complementation group A; minus strand). Cytogenetic location: 16q24.3.
Variant type: single nucleotide variant.
Coding change: c.3121A>T on transcript NM_000135.4 (MANE Select); coding-DNA position 3121, A replaced by T.
Protein change: p.Thr1041Ser; replaces threonine 1041 with serine.
Molecular consequence: missense variant.
Genome position (GRCh38, 1-based): chr16:89,749,848, T>A on the plus strand (A>T on the coding strand, the complement: FANCA is on the minus strand). VCF-style: chr16-89749848-T-A. GRCh37 (hg19) VCF-style: chr16-89816256-T-A.
Other names: c.3121A>T, p.Thr1041Ser (NM_001286167.3); c.3121A>T (NM_000135.2); short protein forms T1041S.
Identifiers: ClinVar variation 1435925 (VCV001435925.7), dbSNP rs769635187, ClinGen allele CA8251324.

ClinVar aggregate classification (germline): Conflicting classifications of pathogenicity. Review status: criteria provided, conflicting classifications (1 of 4 stars). 3 submissions from 3 submitters: Uncertain significance (2); Likely benign (1). Last evaluated 2025-05-21.

Conditions:
Inborn genetic diseases. Identifiers: MedGen C0950123, MeSH D030342.
Fanconi anemia (FA). Also called: Fanconi's anemia. Identifiers: Orphanet 84, MedGen C0015625, MeSH D005199, MONDO:0019391.
Fanconi anemia complementation group A (FANCA). Also called: FANCA-Related Fanconi Anemia; Fanconi anemia, group A. Identifiers: Orphanet 84, MedGen C3469521, MONDO:0009215, OMIM 227650.

Allele frequency attached by ClinVar (database versions not stated): TOPMed below 0.00001; ExAC 0.00001; gnomAD 0.00001.
gnomAD v4.1: 3 of 1,614,040 alleles (0.00019%); highest among the groups gnomAD compares: South Asian, 0.0022%; no homozygotes.

Submissions (3):

Ambry Genetics
Classification: Likely benign for Inborn genetic diseases. Last evaluated: 2025-05-21. Review status: criteria provided, single submitter. Criteria: Ambry Variant Classification Scheme 2023. Collection method: clinical testing. Allele origin: germline.

Fulgent Genetics
Classification: Uncertain significance for Fanconi anemia complementation group A. Last evaluated: 2024-05-25. Review status: criteria provided, single submitter. Criteria: ACMG Guidelines, 2015. Collection method: clinical testing. Allele origin: germline.

Labcorp Genetics (formerly Invitae), Labcorp
Classification: Uncertain significance for Fanconi anemia. Last evaluated: 2021-08-26. Review status: criteria provided, single submitter. Criteria: Invitae Variant Classification Sherloc (09022015). Collection method: clinical testing. Allele origin: germline.
Comment: This sequence change replaces threonine with serine at codon 1041 of the FANCA protein (p.Thr1041Ser). The threonine residue is weakly conserved and there is a small physicochemical difference between threonine and serine. This variant is present in population databases (rs769635187, ExAC 0.006%). This variant has not been reported in the literature in individuals affected with FANCA-related conditions. Algorithms developed to predict the effect of missense changes on protein structure and function output the following: SIFT: "Tolerated"; PolyPhen-2: "Benign"; Align-GVGD: "Class C0". The serine amino acid residue is found in multiple mammalian species, which suggests that this missense change does not adversely affect protein function. In summary, the available evidence is currently insufficient to determine the role of this variant in disease. Therefore, it has been classified as a Variant of Uncertain Significance.